The following is an entry in ClinVar:

NM_020738.4(KIDINS220):c.2151G>C (p.Ser717=)

Gene: KIDINS220 (kinase D interacting substrate 220; minus strand). Cytogenetic location: 2p25.1.
Variant type: single nucleotide variant.
Coding change: c.2151G>C on transcript NM_020738.4 (MANE Select); coding-DNA position 2151, G replaced by C.
Protein change: p.Ser717=; no amino-acid change (serine 717 retained).
Molecular consequence: synonymous variant. On other transcripts: non-coding transcript variant (2).
Genome position (GRCh38, 1-based): chr2:8,785,819, C>G on the plus strand (G>C on the coding strand, the complement: KIDINS220 is on the minus strand). VCF-style: chr2-8785819-C-G. GRCh37 (hg19) VCF-style: chr2-8925949-C-G.
Other names: c.2154G>C, p.Ser718= (NM_001348729.2, NM_001348731.2, NM_001348734.2 and 3 more transcripts); c.2151G>C, p.Ser717= (NM_001348732.2, NM_001348735.2, NM_001348738.2 and 3 more transcripts); c.2025G>C, p.Ser675= (NM_001348736.2).
Identifiers: ClinVar variation 3348864 (VCV003348864.1).

ClinVar aggregate classification (germline): Likely benign (0 of 4 stars; one submission).

Conditions:
KIDINS220-related disorder. Also called: KIDINS220-related condition.

gnomAD v4.1: 14 of 1,614,046 alleles (0.00087%); highest among the groups gnomAD compares: Non-Finnish European, 0.0011%; no homozygotes.

Submission:

PreventionGenetics, part of Exact Sciences
Classification: Likely benign for KIDINS220-related condition. Last evaluated: 2023-12-07. Review status: no assertion criteria provided. Collection method: clinical testing. Allele origin: germline.
Comment: This variant is classified as likely benign based on ACMG/AMP sequence variant interpretation guidelines (Richards et al. 2015 PMID: 25741868, with internal and published modifications).